The following is an entry in ClinVar:

ClinVar aggregate classification (germline): Uncertain significance (1 of 4 stars; one submission).

Submission:

GeneDx
Classification: Uncertain significance. Last evaluated: 2026-02-24. Review status: criteria provided, single submitter. Criteria: GeneDx Variant Classification Process June 2021. Collection method: clinical testing. Allele origin: germline.
Comment: Not observed at significant frequency in large population cohorts (gnomAD); In silico analysis suggests that this missense variant does not alter protein structure/function; Has not been previously published as pathogenic or benign to our knowledge

NM_001123385.2(BCOR):c.3357G>C (p.Gln1119His)

Gene: BCOR (BCL6 corepressor; minus strand). Cytogenetic location: Xp11.4.
Variant type: single nucleotide variant.
Coding change: c.3357G>C on transcript NM_001123385.2 (MANE Select); coding-DNA position 3357, G replaced by C.
Protein change: p.Gln1119His; replaces glutamine 1119 with histidine.
Molecular consequence: missense variant.
Genome position (GRCh38, 1-based): chrX:40,064,481, C>G on the plus strand (G>C on the coding strand, the complement: BCOR is on the minus strand). VCF-style: chrX-40064481-C-G. GRCh37 (hg19) VCF-style: chrX-39923734-C-G.
Other names: c.3357G>C, p.Gln1119His (NM_001123383.2, NM_001437510.1, NM_001437511.1 and 2 more transcripts); c.3303G>C, p.Gln1101His (NM_001123384.2, NM_001438207.1); short protein forms Q1101H, Q1119H.
Identifiers: ClinVar variation 5009930 (VCV005009930.1).